The following is an entry in ClinVar:

NM_001164508.2(NEB):c.3879+2dup

Gene: NEB (nebulin; minus strand). Cytogenetic location: 2q23.3.
Variant type: Duplication.
Coding change: c.3879+2dup on transcript NM_001164508.2 (MANE Select); the canonical splice donor site of the intron after coding-DNA position 3879, one base duplicated (T; older notation c.3879+2dupT).
Molecular consequence: splice donor variant.
Genome position (GRCh38, 1-based): chr2:151,675,285, A duplicated on the plus strand (T on the coding strand, the reverse complement: NEB is on the minus strand). VCF-style (leftmost placement, unchanged base first): chr2-151675284-T-TA. GRCh37 (hg19) VCF-style: chr2-152531798-T-TA.
Other names: c.3879+2dup (NM_004543.5, NM_001164507.2, NM_001271208.2).
Identifiers: ClinVar variation 1017952 (VCV001017952.5), dbSNP rs2099350895, ClinGen allele CA1298293746.

ClinVar aggregate classification (germline): Uncertain significance (1 of 4 stars; one submission).

Conditions:
Nemaline myopathy 2 (NEM2). Also called: Nemaline myopathy 2, autosomal recessive. Identifiers: MedGen C1850569, MONDO:0009725, OMIM 256030.

Allele frequency attached by ClinVar (database versions not stated): TOPMed below 0.00001.

Submission:

Labcorp Genetics (formerly Invitae), Labcorp
Classification: Uncertain significance for Nemaline myopathy 2. Last evaluated: 2022-07-19. Review status: criteria provided, single submitter. Criteria: Invitae Variant Classification Sherloc (09022015). Collection method: clinical testing. Allele origin: germline.
Comment: In summary, the available evidence is currently insufficient to determine the role of this variant in disease. Therefore, it has been classified as a Variant of Uncertain Significance. Variants that disrupt the consensus splice site are a relatively common cause of aberrant splicing (PMID: 17576681, 9536098). Algorithms developed to predict the effect of sequence changes on RNA splicing suggest that this variant may disrupt the consensus splice site. ClinVar contains an entry for this variant (Variation ID: 1017952). This variant has not been reported in the literature in individuals affected with NEB-related conditions. This variant is not present in population databases (gnomAD no frequency). This sequence change falls in intron 35 of the NEB gene. It does not directly change the encoded amino acid sequence of the NEB protein. It affects a nucleotide within the consensus splice site.

Literature cited by the submitters: PubMed 17576681; PubMed 9536098.